The following is an entry in ClinVar:

NM_001159699.2(FHL1):c.129C>G (p.Cys43Trp)

Gene: FHL1 (four and a half LIM domains 1; plus strand). Cytogenetic location: Xq26.3.
Variant type: single nucleotide variant.
Coding change: c.129C>G on transcript NM_001159699.2 (MANE Select); coding-DNA position 129, C replaced by G.
Protein change: p.Cys43Trp; replaces cysteine 43 with tryptophan.
Molecular consequence: missense variant. On other transcripts: non-coding transcript variant (1).
Genome position (GRCh38, 1-based): chrX:136,206,513, C>G. VCF-style: chrX-136206513-C-G. GRCh37 (hg19) VCF-style: chrX-135288672-C-G.
Other names: c.81C>G, p.Cys27Trp (NM_001159700.2, NM_001159702.3, NM_001159703.2 and 9 more transcripts); c.168C>G, p.Cys56Trp (NM_001159701.2); c.129C>G, p.Cys43Trp (NM_001330659.2); short protein forms C27W, C43W, C56W.
Identifiers: ClinVar variation 3221692 (VCV003221692.1), dbSNP rs2521248920, ClinGen allele CA414607676.
Genomic context (GRCh38, chrX:136,206,513, plus strand): 5'-CCACTACTGCAGGGATCCCTTGCAGGGGAAGAAGTATGTGCAAAAGGATGGCCACCACTG[C>G]TGCCTGAAATGCTTTGACAAGTTCTGTGCCAACACCTGTGTGGAATGCCGCAAGCCCATC-3'
Protein context (NP_001153171.1, residues 33-53): KKYVQKDGHH[Cys43Trp]CLKCFDKFCA

ClinVar aggregate classification (germline): Uncertain significance (1 of 4 stars; one submission).

Conditions:
Cardiovascular phenotype. Identifiers: MedGen CN230736.

Submission:

Ambry Genetics
Classification: Uncertain significance for Cardiovascular phenotype. Last evaluated: 2024-01-12. Review status: criteria provided, single submitter. Criteria: Ambry Variant Classification Scheme 2023. Collection method: clinical testing. Allele origin: germline.
Comment: The p.C27W variant (also known as c.81C>G), located in coding exon 1 of the FHL1 gene, results from a C to G substitution at nucleotide position 81. The cysteine at codon 27 is replaced by tryptophan, an amino acid with highly dissimilar properties. This amino acid position is conserved. In addition, the in silico prediction for this alteration is inconclusive. Since supporting evidence is limited at this time, the clinical significance of this alteration remains unclear.